The following is an entry in ClinVar:

ClinVar aggregate classification (germline): Pathogenic (1 of 4 stars; one submission).

Conditions:
Familial adenomatous polyposis 1 (FAP1). Also called: POLYPOSIS, ADENOMATOUS INTESTINAL; FAMILIAL ADENOMATOUS POLYPOSIS 1, ATTENUATED. Identifiers: MedGen C2713442, MONDO:0021056, OMIM 175100. Disease mechanism: loss of function.

Submission:

Labcorp Genetics (formerly Invitae), Labcorp
Classification: Pathogenic for Familial adenomatous polyposis 1. Last evaluated: 2022-11-09. Review status: criteria provided, single submitter. Criteria: Invitae Variant Classification Sherloc (09022015). Collection method: clinical testing. Allele origin: germline.
Comment: This variant is expected to disrupt the EB1 and HDLG binding sites, which mediate interactions with the cytoskeleton (PMID: 15311282, 17293347). While functional studies have not been performed to directly test the effect on APC protein function, this suggests that disruption of the C-terminal portion of the protein is functionally important. For these reasons, this variant has been classified as Pathogenic. A different truncation (p.Tyr2645Lysfs*14) that lies downstream of this variant has been determined to be pathogenic (PMID: 9824584, 1316610, 27081525, 8381579, 22135120, Invitae). This suggests that deletion of this region of the APC protein is causative of disease. ClinVar contains an entry for this variant (Variation ID: 835680). This variant has not been reported in the literature in individuals affected with APC-related conditions. This variant is not present in population databases (gnomAD no frequency). This sequence change creates a premature translational stop signal (p.Pro1467Leufs*6) in the APC gene. While this is not anticipated to result in nonsense mediated decay, it is expected to disrupt the last 1377 amino acid(s) of the APC protein.

Literature cited by the submitters: PubMed 15311282; PubMed 17293347; PubMed 9824584; PubMed 1316610; PubMed 27081525; PubMed 8381579; PubMed 22135120.

NM_000038.6(APC):c.4398del (p.Pro1467fs)

Gene: APC (APC regulator of Wnt signaling pathway; plus strand). Cytogenetic location: 5q22.2.
Variant type: Deletion.
Coding change: c.4398del on transcript NM_000038.6 (MANE Select); coding-DNA position 4398, one base deleted (A; older notation c.4398delA).
Protein change: p.Pro1467fs; shifts the reading frame from proline 1467.
Molecular consequence: frameshift variant.
Genome position (GRCh38, 1-based): chr5:112,839,992, A deleted. VCF-style (leftmost placement, unchanged base first): chr5-112839991-GA-G. GRCh37 (hg19) VCF-style: chr5-112175688-GA-G.
Other names: c.4398del, p.Pro1467fs (NM_001127510.3, NM_001354895.2); c.4344del, p.Pro1449fs (NM_001127511.3); c.4452del, p.Pro1485fs (NM_001354896.2); c.4428del, p.Pro1477fs (NM_001354897.2); c.4323del, p.Pro1442fs (NM_001354898.2); c.4314del, p.Pro1439fs (NM_001354899.2); c.4275del, p.Pro1426fs (NM_001354900.2); c.4221del, p.Pro1408fs (NM_001354901.2); and 5 more; short protein forms P1408fs, P1426fs, P1184fs, P1307fs, P1341fs, P1449fs, P1376fs, P1477fs.
Identifiers: ClinVar variation 835680 (VCV000835680.9), dbSNP rs1765673686, ClinGen allele CA916080358.